The following is an entry in ClinVar:

NM_201384.3(PLEC):c.6241G>A (p.Gly2081Ser)

Gene: PLEC (plectin; minus strand). Cytogenetic location: 8q24.3.
Variant type: single nucleotide variant.
Coding change: c.6241G>A on transcript NM_201384.3 (MANE Select); coding-DNA position 6241, G replaced by A.
Protein change: p.Gly2081Ser; replaces glycine 2081 with serine.
Molecular consequence: missense variant.
Genome position (GRCh38, 1-based): chr8:143,923,688, C>T on the plus strand (G>A on the coding strand, the complement: PLEC is on the minus strand). VCF-style: chr8-143923688-C-T. GRCh37 (hg19) VCF-style: chr8-144997856-C-T.
Other names: c.6322G>A, p.Gly2108Ser (NM_000445.5); c.6199G>A, p.Gly2067Ser (NM_201378.4); c.6175G>A, p.Gly2059Ser (NM_201379.3); c.6652G>A, p.Gly2218Ser (NM_201380.4); c.6145G>A, p.Gly2049Ser (NM_201381.3); c.6241G>A, p.Gly2081Ser (NM_201382.4); c.6253G>A, p.Gly2085Ser (NM_201383.3); short protein forms G2067S, G2085S, G2218S, G2049S, G2059S, G2081S, G2108S.
Identifiers: ClinVar variation 471626 (VCV000471626.21), dbSNP rs782450868, ClinGen allele CA4926072.

ClinVar aggregate classification (germline): Conflicting classifications of pathogenicity. Review status: criteria provided, conflicting classifications (1 of 4 stars). 5 submissions from 5 submitters: Uncertain significance (2); Likely benign (3). Last evaluated 2026-07-06.

Conditions:
PLEC-related disorder. Also called: PLEC-related disorders; PLEC-related condition.
Inborn genetic diseases. Identifiers: MedGen C0950123, MeSH D030342.
Autosomal recessive limb-girdle muscular dystrophy type 2Q (LGMDR17). Also called: MUSCULAR DYSTROPHY, LIMB-GIRDLE, AUTOSOMAL RECESSIVE 17. Identifiers: Orphanet 254361, MedGen C3150989, MONDO:0013390, OMIM 613723.
Epidermolysis bullosa simplex with nail dystrophy (EBS5D). Identifiers: MedGen C4225309, MONDO:0014661, OMIM 616487.
Epidermolysis bullosa simplex 5C, with pyloric atresia (EBS5C). Also called: PLEC-Related Epidermolysis Bullosa with Pyloric Atresia; Epidermolysis bullosa simplex with pyloric atresia; PLEC1-Related Epidermolysis Bullosa with Pyloric Atresia. Identifiers: Orphanet 158684, MedGen C2677349, MONDO:0012807, OMIM 612138.
Epidermolysis bullosa simplex, Ogna type (EBS5A). Also called: Pidermolysis bullosa simplex 5A, Ogna type; EPIDERMOLYSIS BULLOSA SIMPLEX 5A, OGNA TYPE. Identifiers: Orphanet 79401, MedGen C0432317, MONDO:0007555, OMIM 131950.
Epidermolysis bullosa simplex 5B, with muscular dystrophy (EBS5B). Also called: EPIDERMOLYSIS BULLOSA SIMPLEX AND LIMB-GIRDLE MUSCULAR DYSTROPHY; Epidermolysis bullosa simplex with muscular dystrophy. Identifiers: Orphanet 257, MedGen C2931072, MONDO:0009181, OMIM 226670.

Allele frequency attached by ClinVar (database versions not stated): gnomAD 0.00004 and 0.00006; TOPMed 0.00005; gnomAD exomes 0.00007 and 0.00033; 1000 Genomes Project 30x 0.00016; ExAC 0.00066.

Submissions (5):

PreventionGenetics, part of Exact Sciences
Classification: Uncertain significance for PLEC-related condition. Last evaluated: 2026-07-06. Review status: criteria provided, single submitter. Criteria: ACMG Guidelines, 2015. Collection method: clinical testing. Allele origin: germline.
Comment: The PLEC c.6322G>A variant is predicted to result in the amino acid substitution p.Gly2108Ser. To our knowledge, this variant has not been reported in the literature. This variant is reported in 0.13% of alleles in individuals of South Asian descent in gnomAD. Although we suspect that this variant may be benign, at this time, the clinical significance of this variant is uncertain due to the absence of conclusive functional and genetic evidence.

Labcorp Genetics (formerly Invitae), Labcorp
Classification: Likely benign for Autosomal recessive limb-girdle muscular dystrophy type 2Q; Epidermolysis bullosa simplex, Ogna type; Epidermolysis bullosa simplex with nail dystrophy; Epidermolysis bullosa simplex 5C, with pyloric atresia; Epidermolysis bullosa simplex 5B, with muscular dystrophy. Last evaluated: 2025-10-13. Review status: criteria provided, single submitter. Criteria: Invitae Variant Classification Sherloc (09022015). Collection method: clinical testing. Allele origin: germline.

Ambry Genetics
Classification: Likely benign for Inborn genetic diseases. Last evaluated: 2022-10-31. Review status: criteria provided, single submitter. Criteria: Ambry Variant Classification Scheme 2023. Collection method: clinical testing. Allele origin: germline.

Revvity Omics, Revvity
Classification: Uncertain significance. Last evaluated: 2021-03-15. Review status: criteria provided, single submitter. Criteria: ACMG Guidelines, 2015. Collection method: clinical testing. Allele origin: germline.

GeneDx
Classification: Likely benign. Last evaluated: 2017-05-01. Review status: criteria provided, single submitter. Criteria: GeneDx Variant Classification (06012015). Collection method: clinical testing. Allele origin: germline. Affected: yes.
Comment: This variant is considered likely benign or benign based on one or more of the following criteria: it is a conservative change, it occurs at a poorly conserved position in the protein, it is predicted to be benign by multiple in silico algorithms, and/or has population frequency not consistent with disease.